The following is an entry in ClinVar:

ClinVar aggregate classification (germline): Likely pathogenic (1 of 4 stars; one submission).

Conditions:
Severe intellectual disability-progressive spastic diplegia syndrome (NEDSDV). Also called: NEURODEVELOPMENTAL DISORDER WITH SPASTIC DIPLEGIA AND VISUAL DEFECTS; CTNNB1 Neurodevelopmental Disorder. Identifiers: Orphanet 404473, MedGen C3554449, MONDO:0014035, OMIM 615075.

Submission:

Greenwood Genetic Center Diagnostic Laboratories, Greenwood Genetic Center
Classification: Likely pathogenic for Severe intellectual disability-progressive spastic diplegia syndrome. Last evaluated: 2022-08-17. Review status: criteria provided, single submitter. Criteria: ACMG Guidelines, 2015. Collection method: clinical testing. Allele origin: germline. Affected: yes.
Comment: PVS1, PM2

NM_001904.4(CTNNB1):c.1690dup (p.Val564fs)

Gene: CTNNB1 (catenin beta 1; plus strand). Cytogenetic location: 3p22.1.
Variant type: Duplication.
Coding change: c.1690dup on transcript NM_001904.4 (MANE Select); coding-DNA position 1690, one base duplicated (G; older notation c.1690dupG).
Protein change: p.Val564fs; shifts the reading frame from valine 564.
Molecular consequence: frameshift variant.
Genome position (GRCh38, 1-based): chr3:41,235,730, G duplicated; the last of 5 consecutive G bases (chr3:41,235,726-41,235,730); duplicating any one gives the same sequence. VCF-style (leftmost placement, unchanged base first): chr3-41235725-A-AG. GRCh37 (hg19) VCF-style: chr3-41277216-A-AG.
Other names: c.1690dup, p.Val564fs (NM_001098209.2, NM_001098210.2); c.1669dup, p.Val557fs (NM_001330729.2); short protein forms V557fs, V564fs.
Identifiers: ClinVar variation 1710354 (VCV001710354.3), dbSNP rs2470842274, ClinGen allele CA2580069826.